The following is an entry in ClinVar:

ClinVar aggregate classification (germline): Uncertain significance (1 of 4 stars; one submission).

Conditions:
Neurodevelopmental disorder with regression, abnormal movements, loss of speech, and seizures. Identifiers: Orphanet 597623, MedGen C4748127, MONDO:0060759, OMIM 618088.

Submission:

Juno Genomics, Hangzhou Juno Genomics, Inc
Classification: Uncertain significance for Neurodevelopmental disorder with regression, abnormal movements, loss of speech, and seizures. Review status: criteria provided, single submitter. Criteria: ACMG Guidelines, 2015. Collection method: clinical testing. Allele origin: germline.
Comment: Null variant in a gene where loss of function (LOF) is a known mechanism of disease.;Absent from controls (or at extremely low frequency if recessive) in Genome Aggregation Database.

NM_024496.4(IRF2BPL):c.1643dup (p.Glu549fs)

Gene: IRF2BPL (interferon regulatory factor 2 binding protein like; minus strand). Cytogenetic location: 14q24.3.
Variant type: Duplication.
Coding change: c.1643dup on transcript NM_024496.4 (MANE Select); coding-DNA position 1643, one base duplicated (C; older notation c.1643dupC).
Protein change: p.Glu549fs; shifts the reading frame from glutamic acid 549.
Molecular consequence: frameshift variant.
Genome position (GRCh38, 1-based): chr14:77,026,150, G duplicated on the plus strand (C on the coding strand, the reverse complement: IRF2BPL is on the minus strand); the first of 2 consecutive G bases (chr14:77,026,150-77,026,151); duplicating either gives the same sequence. VCF-style (leftmost placement, unchanged base first): chr14-77026149-C-CG. GRCh37 (hg19) VCF-style: chr14-77492492-C-CG.
Other names: short protein forms E549fs.
Identifiers: ClinVar variation 5005349 (VCV005005349.2).
Genomic context (GRCh38, chr14:77,026,149, plus strand): 5'-CTGCTGCCTCTGCTGTTCCTCGCCCAGCTTCAGCGCGCCCTCGGCTGAGTCCGGGGGCTC[C>CG]GGAGAGGCCTTTCTCTTGCGCAGGCTGGCGGCTGCGCCCCGGCCCGACGGCGCGGCGGGC-3'